The following is an entry in ClinVar:

ClinVar aggregate classification (germline): Uncertain significance (1 of 4 stars; one submission).

Conditions:
Mitochondrial DNA depletion syndrome, encephalomyopathic form with methylmalonic aciduria (MTDPS5). Also called: Mitochondrial encephalomyopathy aminoacidopathy; SUCLA2-Related Mitochondrial DNA Depletion Syndrome, Encephalomyopathic Form with Methylmalonic Aciduria; MITOCHONDRIAL DNA DEPLETION SYNDROME, ENCEPHALOMYOPATHIC FORM, WITH OR WITHOUT METHYLMALONIC ACIDURIA, AUTOSOMAL RECESSIVE, SUCLA2-RELATED; Mitochondrial DNA depletion syndrome 5 (encephalomyopathic with or without methylmalonic aciduria). Identifiers: Orphanet 1933, MedGen C5980207, MONDO:0012791, OMIM 612073.

Allele frequency attached by ClinVar (database versions not stated): gnomAD 0.00001.
gnomAD v4.1: 7 of 1,604,242 alleles (0.00044%); highest among the groups gnomAD compares: Middle Eastern, 0.017%; no homozygotes.

Submission:

Labcorp Genetics (formerly Invitae), Labcorp
Classification: Uncertain significance for Mitochondrial DNA depletion syndrome, encephalomyopathic form with methylmalonic aciduria. Last evaluated: 2022-07-27. Review status: criteria provided, single submitter. Criteria: Invitae Variant Classification Sherloc (09022015). Collection method: clinical testing. Allele origin: germline.
Comment: This sequence change affects codon 10 of the SUCLA2 mRNA. It is a 'silent' change, meaning that it does not change the encoded amino acid sequence of the SUCLA2 protein. This variant is present in population databases (rs9567973, gnomAD 0.007%). This variant has not been reported in the literature in individuals affected with SUCLA2-related conditions. Algorithms developed to predict the effect of sequence changes on RNA splicing suggest that this variant may create or strengthen a splice site. In summary, the available evidence is currently insufficient to determine the role of this variant in disease. Therefore, it has been classified as a Variant of Uncertain Significance.

NM_003850.3(SUCLA2):c.28C>T (p.Leu10=)

Gene: SUCLA2 (succinate-CoA ligase ADP-forming subunit beta; minus strand). Cytogenetic location: 13q14.2.
Variant type: single nucleotide variant.
Coding change: c.28C>T on transcript NM_003850.3 (MANE Select); coding-DNA position 28, C replaced by T.
Protein change: p.Leu10=; no amino-acid change (leucine 10 retained).
Molecular consequence: synonymous variant.
Genome position (GRCh38, 1-based): chr13:48,001,242, G>A on the plus strand (C>T on the coding strand, the complement: SUCLA2 is on the minus strand). VCF-style: chr13-48001242-G-A. GRCh37 (hg19) VCF-style: chr13-48575378-G-A.
Identifiers: ClinVar variation 1984949 (VCV001984949.1), dbSNP rs9567973, ClinGen allele CA6978127.